The following is an entry in ClinVar:

ClinVar aggregate classification (germline): Uncertain significance. Review status: criteria provided, multiple submitters, no conflicts (2 of 4 stars). 2 submissions from 2 submitters: Uncertain significance (2). Last evaluated 2021-09-30.

Conditions:
Immunodeficiency 104. Also called: Severe combined immunodeficiency, autosomal recessive, T cell-negative, B cell-positive, NK cell-positive; SCID, AUTOSOMAL RECESSIVE, T CELL-NEGATIVE, B CELL-POSITIVE, NK CELL-POSITIVE; IMMUNODEFICIENCY 104, SEVERE COMBINED; Severe Combined Immune Deficiency, Autosomal Recessive, TCell -Negative, B Cell-Positive, NK Cell-Positive, IL7R-Related. Identifiers: MedGen C5676890, MONDO:0012163, OMIM 608971.

Allele frequency attached by ClinVar (database versions not stated): gnomAD exomes below 0.00001; TOPMed below 0.00001.

Submissions (2):

Labcorp Genetics (formerly Invitae), Labcorp
Classification: Uncertain significance for Immunodeficiency 104. Last evaluated: 2021-09-30. Review status: criteria provided, single submitter. Criteria: Invitae Variant Classification Sherloc (09022015). Collection method: clinical testing. Allele origin: germline.
Comment: This sequence change affects codon 1215 of the PTPRC mRNA. It is a 'silent' change, meaning that it does not change the encoded amino acid sequence of the PTPRC protein. This variant is not present in population databases (ExAC no frequency). This variant has not been reported in the literature in individuals with PTPRC-related conditions. Algorithms developed to predict the effect of sequence changes on RNA splicing suggest that this variant may disrupt the consensus splice site, but this prediction has not been confirmed by published transcriptional studies. In summary, the available evidence is currently insufficient to determine the role of this variant in disease. Therefore, it has been classified as a Variant of Uncertain Significance.

Breakthrough Genomics
Classification: Uncertain significance. Review status: criteria provided, single submitter. Criteria: ACMG Guidelines, 2015. Collection method: not provided. Allele origin: germline. Inheritance: Autosomal recessive inheritance. Affected: yes.

NM_002838.5(PTPRC):c.3645C>T (p.Phe1215=)

Gene: PTPRC (protein tyrosine phosphatase receptor type C; plus strand). Cytogenetic location: 1q32.1.
Variant type: single nucleotide variant.
Coding change: c.3645C>T on transcript NM_002838.5 (MANE Select); coding-DNA position 3645, C replaced by T.
Protein change: p.Phe1215=; no amino-acid change (phenylalanine 1215 retained).
Molecular consequence: synonymous variant.
Genome position (GRCh38, 1-based): chr1:198,754,404, C>T. VCF-style: chr1-198754404-C-T. GRCh37 (hg19) VCF-style: chr1-198723533-C-T.
Other names: c.3162C>T, p.Phe1054= (NM_080921.4).
Identifiers: ClinVar variation 860752 (VCV000860752.9), dbSNP rs1558042118, ClinGen allele CA422683347.